The following is an entry in ClinVar:

ClinVar aggregate classification (germline): Benign (1 of 4 stars; one submission).

Allele frequency attached by ClinVar (database versions not stated): gnomAD 0.40998 and 0.40306; 1000 Genomes Project 0.40895; TOPMed 0.40070.
gnomAD v4.1: 62,494 of 151,980 alleles (41%); highest among the groups gnomAD compares: South Asian, 58%; 13,594 homozygotes.

Submission:

GeneDx
Classification: Benign. Last evaluated: 2018-06-19. Review status: criteria provided, single submitter. Criteria: GeneDx Variant Classification (06012015). Collection method: clinical testing. Allele origin: germline. Affected: yes.
Comment: This variant is considered likely benign or benign based on one or more of the following criteria: it is a conservative change, it occurs at a poorly conserved position in the protein, it is predicted to be benign by multiple in silico algorithms, and/or has population frequency not consistent with disease.

NM_021625.5(TRPV4):c.2208+282G>C

Gene: TRPV4 (transient receptor potential cation channel subfamily V member 4; minus strand). Cytogenetic location: 12q24.11.
Variant type: single nucleotide variant.
Coding change: c.2208+282G>C on transcript NM_021625.5 (MANE Select); 282 bases into the intron after coding-DNA position 2208, G replaced by C.
Molecular consequence: intron variant.
Genome position (GRCh38, 1-based): chr12:109,788,118, C>G on the plus strand (G>C on the coding strand, the complement: TRPV4 is on the minus strand). VCF-style: chr12-109788118-C-G. GRCh37 (hg19) VCF-style: chr12-110225923-C-G.
Other names: c.1887+282G>C (NM_001177433.1); c.2067+282G>C (NM_001177428.1); c.2028+282G>C (NM_147204.2); c.2106+282G>C (NM_001177431.1).
Identifiers: ClinVar variation 667566 (VCV000667566.1), dbSNP rs7299388, ClinGen allele CA13601777.